The following is an entry in ClinVar:

NM_014362.4(HIBCH):c.243T>G (p.Thr81=)

Gene: HIBCH (3-hydroxyisobutyryl-CoA hydrolase; minus strand). Cytogenetic location: 2q32.2.
Variant type: single nucleotide variant.
Coding change: c.243T>G on transcript NM_014362.4 (MANE Select); coding-DNA position 243, T replaced by G.
Protein change: p.Thr81=; no amino-acid change (threonine 81 retained).
Molecular consequence: synonymous variant.
Genome position (GRCh38, 1-based): chr2:190,294,607, A>C on the plus strand (T>G on the coding strand, the complement: HIBCH is on the minus strand). VCF-style: chr2-190294607-A-C. GRCh37 (hg19) VCF-style: chr2-191159333-A-C.
Other names: p.Thr81=; c.243T>G, p.Thr81= (NM_198047.3).
Identifiers: ClinVar variation 516906 (VCV000516906.38), dbSNP rs144074606, ClinGen allele CA2027722.

ClinVar aggregate classification (germline): Benign/Likely benign. Review status: criteria provided, multiple submitters, no conflicts (2 of 4 stars). 6 submissions from 6 submitters: Benign (2); Likely benign (4). Last evaluated 2026-01-06.

Conditions:
3-hydroxyisobutyryl-CoA hydrolase deficiency. Also called: VALINE METABOLIC DEFECT; Reduced circulating 3-hydroxyisobutyryl-CoA hydrolase activity; Deficiency of 3-hydroxyisobutyryl CoA hydrolase; HIBCH DEFICIENCY; METHACRYLIC ACID TOXICITY; METHACRYLIC ACIDURIA. Identifiers: Orphanet 88639, MedGen C0342738, MONDO:0009603, OMIM 250620, HP:6000215.
HIBCH-related disorder. Also called: HIBCH-related condition.

Allele frequency attached by ClinVar (database versions not stated): TOPMed 0.00134; 1000 Genomes Project 30x 0.00172; 1000 Genomes Project 0.00180; ESP Exome Variant Server 0.00185; gnomAD 0.00218 and 0.00226.
gnomAD v4.1: 4,222 of 1,612,342 alleles (0.26%); highest among the groups gnomAD compares: Non-Finnish European, 0.28%; 13 homozygotes.

Submissions (6):

Labcorp Genetics (formerly Invitae), Labcorp
Classification: Benign for 3-hydroxyisobutyryl-CoA hydrolase deficiency. Last evaluated: 2026-01-06. Review status: criteria provided, single submitter. Criteria: Invitae Variant Classification Sherloc (09022015). Collection method: clinical testing. Allele origin: germline.

CeGaT Center for Human Genetics Tuebingen
Classification: Likely benign. Last evaluated: 2025-11-01. Review status: criteria provided, single submitter. Criteria: CeGaT Center For Human Genetics Tuebingen Variant Classification Criteria Version 2. Collection method: clinical testing. Allele origin: germline. Affected: yes. Observed: 3 variant alleles.
Comment: HIBCH: BP4, BP7

Mayo Clinic Laboratories, Mayo Clinic
Classification: Likely benign. Last evaluated: 2025-06-26. Review status: criteria provided, single submitter. Criteria: ACMG Guidelines, 2015. Collection method: clinical testing. Allele origin: germline. Observed: 15 variant alleles.
Comment: BS1, BP4, BP7

Blueprint Genetics
Classification: Likely benign. Last evaluated: 2024-11-22. Review status: criteria provided, single submitter. Criteria: ACMG Guidelines, 2015. Collection method: clinical testing. Allele origin: germline.

PreventionGenetics, part of Exact Sciences
Classification: Benign for HIBCH-related condition. Last evaluated: 2024-11-09. Review status: criteria provided, single submitter. Criteria: ACMG Guidelines, 2015. Collection method: clinical testing. Allele origin: germline.
Comment: This variant is classified as benign based on ACMG/AMP sequence variant interpretation guidelines (Richards et al. 2015 PMID: 25741868, with internal and published modifications).

GeneDx
Classification: Likely benign. Last evaluated: 2018-02-15. Review status: criteria provided, single submitter. Criteria: GeneDx Variant Classification (06012015). Collection method: clinical testing. Allele origin: germline. Affected: yes.
Comment: This variant is considered likely benign or benign based on one or more of the following criteria: it is a conservative change, it occurs at a poorly conserved position in the protein, it is predicted to be benign by multiple in silico algorithms, and/or has population frequency not consistent with disease.